The following is an entry in ClinVar:

NM_004369.4(COL6A3):c.7024C>T (p.Arg2342Ter)

Gene: COL6A3 (collagen type VI alpha 3 chain; minus strand). Cytogenetic location: 2q37.3.
Variant type: single nucleotide variant.
Coding change: c.7024C>T on transcript NM_004369.4 (MANE Select); coding-DNA position 7024, C replaced by T.
Protein change: p.Arg2342Ter; replaces arginine 2342 with a stop codon.
Molecular consequence: nonsense.
Genome position (GRCh38, 1-based): chr2:237,347,812, G>A on the plus strand (C>T on the coding strand, the complement: COL6A3 is on the minus strand). VCF-style: chr2-237347812-G-A. GRCh37 (hg19) VCF-style: chr2-238256455-G-A.
Other names: c.7024C>T (NM_004369.3); c.5203C>T, p.Arg1735Ter (NM_057166.5); c.6406C>T, p.Arg2136Ter (NM_057167.4); short protein forms R2342*, R2136*, R1735*.
Identifiers: ClinVar variation 285477 (VCV000285477.8), dbSNP rs886043113, ClinGen allele CA10605124.

ClinVar aggregate classification (germline): Pathogenic. Review status: criteria provided, multiple submitters, no conflicts (2 of 4 stars). 4 submissions from 4 submitters: Pathogenic (4). Last evaluated 2024-07-25.

Conditions:
Bethlem myopathy 1A. Also called: Bethlem Muscular Dystrophy; MYOPATHY, BENIGN CONGENITAL, WITH CONTRACTURES; Bethlem myopathy 1. Identifiers: Orphanet 610, MedGen CN029274, MONDO:0024530, OMIM 158810.

Allele frequency attached by ClinVar (database versions not stated): gnomAD exomes below 0.00001.
gnomAD v4.1: 6 of 1,610,308 alleles (0.00037%); highest among the groups gnomAD compares: Admixed American, 0.0017%; no homozygotes.

Submissions (4):

Labcorp Genetics (formerly Invitae), Labcorp
Classification: Pathogenic for Bethlem myopathy 1A. Last evaluated: 2024-07-25. Review status: criteria provided, single submitter. Criteria: Invitae Variant Classification Sherloc (09022015). Collection method: clinical testing. Allele origin: germline.
Comment: This sequence change creates a premature translational stop signal (p.Arg2342*) in the COL6A3 gene. It is expected to result in an absent or disrupted protein product. Loss-of-function variants in COL6A3 are known to be pathogenic (PMID: 26004199). The frequency data for this variant in the population databases is considered unreliable, as metrics indicate poor data quality at this position in the gnomAD database. This premature translational stop signal has been observed in individual(s) with autosomal recessive COL6A3-related conditions (PMID: 11992252, 33749658). ClinVar contains an entry for this variant (Variation ID: 285477). For these reasons, this variant has been classified as Pathogenic.

GeneDx
Classification: Pathogenic. Last evaluated: 2022-10-10. Review status: criteria provided, single submitter. Criteria: GeneDx Variant Classification Process June 2021. Collection method: clinical testing. Allele origin: germline. Affected: yes.
Comment: Nonsense variant predicted to result in protein truncation or nonsense mediated decay in a gene for which loss of function is a known mechanism of disease; Not observed at significant frequency in large population cohorts (gnomAD); This variant is associated with the following publications: (PMID: 31589614, 25525159, 32528171, 11992252, 33749658)

Center for Pediatric Genomic Medicine, Children's Mercy Hospital and Clinics
Classification: Pathogenic. Last evaluated: 2016-12-05. Review status: criteria provided, single submitter. Criteria: ACMG Guidelines, 2015. Collection method: clinical testing. Allele origin: germline.

Eurofins Ntd Llc (ga)
Classification: Pathogenic. Last evaluated: 2016-01-29. Review status: criteria provided, single submitter. Criteria: EGL Classification Definitions 2015. Collection method: clinical testing. Allele origin: germline. Observed: 1 variant allele, 1 heterozygote.

Literature cited by the submitters: PubMed 26004199 (cited by Labcorp Genetics (formerly Invitae), Labcorp); PubMed 11992252 (cited by Labcorp Genetics (formerly Invitae), Labcorp); PubMed 33749658 (cited by Labcorp Genetics (formerly Invitae), Labcorp).